The following is an entry in ClinVar:

NM_001142800.2(EYS):c.9432del (p.Ter3145LysextTer?)

Genes: EYS (EGF-like photoreceptor maintenance factor; minus strand), PHF3 (PHD finger protein 3; plus strand). Cytogenetic location: 6q12.
Variant type: Deletion.
Coding change: c.9432del on transcript NM_001142800.2 (MANE Select); coding-DNA position 9432, one base deleted (A; older notation c.9432delA).
Protein change: p.Ter3145LysextTer?.
Molecular consequence: frameshift variant. On other transcripts: 3 prime UTR variant (5).
Genome position (GRCh38, 1-based): chr6:63,720,599, T deleted on the plus strand (A on the coding strand, the reverse complement: EYS is on the minus strand). VCF-style (leftmost placement, unchanged base first): chr6-63720598-AT-A. GRCh37 (hg19) VCF-style: chr6-64430494-AT-A.
Other names: c.*6891del (NM_001290259.2, NM_001370348.2, NM_001370349.2 and 2 more transcripts); c.9495del, p.Ter3166LysextTer? (NM_001292009.2).
Identifiers: ClinVar variation 856774 (VCV000856774.9), dbSNP rs1768334862, ClinGen allele CA916082850.
Genomic context (GRCh38, chr6:63,720,598, plus strand): 5'-ATAACTATCAAAATAACTGCATTTATGTATAGTGTGTACTAAAATCTCTAGTGTTAACTT[AT>A]GTAACCTCATTTTGTTCATCTCCATCATAAACATTGTATCCTTCTAATTTAATTAGTTCA-3'

ClinVar aggregate classification (germline): Uncertain significance (1 of 4 stars; one submission).

Submission:

Labcorp Genetics (formerly Invitae), Labcorp
Classification: Uncertain significance. Last evaluated: 2022-10-13. Review status: criteria provided, single submitter. Criteria: Invitae Variant Classification Sherloc (09022015). Collection method: clinical testing. Allele origin: germline.
Comment: In summary, the available evidence is currently insufficient to determine the role of this variant in disease. Therefore, it has been classified as a Variant of Uncertain Significance. Experimental studies and prediction algorithms are not available or were not evaluated, and the functional significance of this variant is currently unknown. ClinVar contains an entry for this variant (Variation ID: 856774). This protein extension has been observed in individual(s) with retinitis pigmentosa (Invitae). This variant is not present in population databases (gnomAD no frequency). This sequence change disrupts the translational stop signal of the EYS mRNA. It is expected to extend the length of the EYS protein by 39 additional amino acid residues.